The following is an entry in ClinVar:

ClinVar aggregate classification (germline): Uncertain significance. Review status: criteria provided, multiple submitters, no conflicts (2 of 4 stars). 2 submissions from 2 submitters: Uncertain significance (2). Last evaluated 2025-07-24.

Allele frequency attached by ClinVar (database versions not stated): TOPMed below 0.00001.

Submissions (2):

Ambry Genetics
Classification: Uncertain significance. Last evaluated: 2025-07-24. Review status: criteria provided, single submitter. Criteria: Ambry Variant Classification Scheme 2023. Collection method: clinical testing. Allele origin: germline.
Comment: The p.P68Q variant (also known as c.203C>A), located in coding exon 1 of the GALNT12 gene, results from a C to A substitution at nucleotide position 203. The proline at codon 68 is replaced by glutamine, an amino acid with similar properties. This amino acid position is well conserved in available vertebrate species. In addition, this alteration is predicted to be tolerated by in silico analysis. The evidence for this gene-disease relationship is limited; therefore, the clinical significance of this alteration is unclear.

Labcorp Genetics (formerly Invitae), Labcorp
Classification: Uncertain significance. Last evaluated: 2024-01-25. Review status: criteria provided, single submitter. Criteria: Invitae Variant Classification Sherloc (09022015). Collection method: clinical testing. Allele origin: germline.
Comment: This sequence change replaces proline, which is neutral and non-polar, with glutamine, which is neutral and polar, at codon 68 of the GALNT12 protein (p.Pro68Gln). The frequency data for this variant in the population databases is considered unreliable, as metrics indicate insufficient coverage at this position in the gnomAD database. This variant has not been reported in the literature in individuals affected with GALNT12-related conditions. ClinVar contains an entry for this variant (Variation ID: 2274531). Advanced modeling of protein sequence and biophysical properties (such as structural, functional, and spatial information, amino acid conservation, physicochemical variation, residue mobility, and thermodynamic stability) performed at Invitae indicates that this missense variant is not expected to disrupt GALNT12 protein function with a negative predictive value of 80%. In summary, the available evidence is currently insufficient to determine the role of this variant in disease. Therefore, it has been classified as a Variant of Uncertain Significance.

NM_024642.5(GALNT12):c.203C>A (p.Pro68Gln)

Gene: GALNT12 (polypeptide N-acetylgalactosaminyltransferase 12; plus strand). Cytogenetic location: 9q22.33.
Variant type: single nucleotide variant.
Coding change: c.203C>A on transcript NM_024642.5 (MANE Select); coding-DNA position 203, C replaced by A.
Protein change: p.Pro68Gln; replaces proline 68 with glutamine.
Molecular consequence: missense variant.
Genome position (GRCh38, 1-based): chr9:98,807,901, C>A. VCF-style: chr9-98807901-C-A. GRCh37 (hg19) VCF-style: chr9-101570183-C-A.
Other names: short protein forms P68Q.
Identifiers: ClinVar variation 2274531 (VCV002274531.6), dbSNP rs1835412517, ClinGen allele CA374222515.
Genomic context (GRCh38, chr9:98,807,901, plus strand): 5'-CCGAGCCGGGACCCCCGCGCACCCCGCGCCCCGGGCGGCGCGAGCCGGTCATGCCGCGGC[C>A]GCCGGTGCCGGCGAACGCGCTGGGCGCGCGGGGCGAGGCGGTGCGGCTGCAGCTGCAGGG-3'
Protein context (NP_078918.3, residues 58-78): PGRREPVMPR[Pro68Gln]PVPANALGAR